The following is an entry in ClinVar:

NM_000540.3(RYR1):c.5360C>T (p.Pro1787Leu)

Gene: RYR1 (ryanodine receptor 1; plus strand). Cytogenetic location: 19q13.2.
Variant type: single nucleotide variant.
Coding change: c.5360C>T on transcript NM_000540.3 (MANE Select); coding-DNA position 5360, C replaced by T.
Protein change: p.Pro1787Leu; replaces proline 1787 with leucine.
Molecular consequence: missense variant.
Genome position (GRCh38, 1-based): chr19:38,486,015, C>T. VCF-style: chr19-38486015-C-T. GRCh37 (hg19) VCF-style: chr19-38976655-C-T.
Other names: NM_000540.2(RYR1):c.5360C>T; c.5360C>T, p.Pro1787Leu (NM_001042723.2); short protein forms P1787L.
Identifiers: ClinVar variation 133149 (VCV000133149.60), dbSNP rs34934920, ClinGen allele CA024515.

ClinVar aggregate classification (germline): Benign. Review status: reviewed by expert panel (3 of 4 stars). 22 submissions from 20 submitters: Benign (1). 21 of the submissions do not count toward it. Last evaluated 2021-03-17.

Conditions:
RYR1-related disorder. Also called: RYR1-related condition; RYR1-related disorders. Identifiers: MedGen CN239331.
Malignant hypothermia.
Congenital multicore myopathy with external ophthalmoplegia (CMYO1B). Also called: MULTICORE MYOPATHY; MULTIMINICORE DISEASE WITH EXTERNAL OPHTHALMOPLEGIA; Congenital myopathy 1B, autosomal recessive; Minicore myopathy; Minicore myopathy with external ophthalmoplegia. Identifiers: Orphanet 598, Orphanet 98905, MedGen C1850674, MONDO:0009712, OMIM 255320, HP:0003789.
Central core myopathy (CMYO1A). Also called: CONGENITAL MYOPATHY 1A, AUTOSOMAL DOMINANT, WITH SUSCEPTIBILITY TO MALIGNANT HYPERTHERMIA; Central core disease; Myopathy, central fibrillar. Identifiers: Orphanet 597, MedGen C5830701, MONDO:0007294, OMIM 117000.
Malignant hyperthermia, susceptibility to, 1 (MHS1). Also called: Malignant hyperthermia suceptibility 1; Anesthesia related hyperthermia; Malignant hyperpyrexia; Fulminating hyperpyrexia; Pharmacogenic myopathy; RYR1-Related Malignant Hyperthermia Susceptibility. Identifiers: Orphanet 423, MedGen C2930980, MONDO:0007783, OMIM 145600.

Allele frequency attached by ClinVar (database versions not stated): gnomAD 0.01583 and 0.01674; TOPMed 0.01642; ESP Exome Variant Server 0.01669; 1000 Genomes Project 0.01697; 1000 Genomes Project 30x 0.01749; gnomAD exomes 0.01953 and 0.02353; ExAC 0.01957.
gnomAD v4.1: 36,880 of 1,613,524 alleles (2.3%); highest among the groups gnomAD compares: South Asian, 4.2%; 550 homozygotes.

Submissions (22):

ClinGen Malignant Hyperthermia Susceptibility Variant Curation Expert Panel, ClinGen
Classification: Benign for Malignant hyperthermia, susceptibility to, 1. Last evaluated: 2021-03-17. Review status: reviewed by expert panel. Criteria: ClinGen MHS ACMG Specifications V1. Collection method: curation. Allele origin: germline. Inheritance: Autosomal dominant inheritance. Study: ClinGen.
Comment: This pathogenicity assessment is relevant only for malignant hyperthermia susceptibility (MHS) inherited in an autosomal dominant pattern. Variants in RYR1 can also cause other myopathies inherited in an autosomal dominant pattern or in an autosomal recessive pattern. Some of these disorders may predispose individuals to malignant hyperthermia. RYR1 variants may also contribute to a malignant hyperthermia reaction in combination with other genetic and non-genetic factors and the clinician needs to consider such factors in making management decisions. This sequence variant predicts a substitution of Proline with Leucine at codon 1787 of the RYR1 protein, p.(Pro1787Leu). The maximum allele frequency for this variant among the six major gnomAD populations is SAS: 0.0413, which is considered to be too common for a pathogenic variant causing autosomal dominantly inherited MHS, BA1. This variant has been classified as Benign. Criteria implemented: BA1.

Labcorp Genetics (formerly Invitae), Labcorp
Classification: Benign for RYR1-related disorder. Last evaluated: 2026-02-03. Review status: criteria provided, single submitter. Criteria: Invitae Variant Classification Sherloc (09022015). Collection method: clinical testing. Allele origin: germline. Not counted in ClinVar's aggregate classification.

Athena Diagnostics
Classification: Benign. Last evaluated: 2025-07-29. Review status: criteria provided, single submitter. Criteria: Athena Diagnostics Criteria. Collection method: clinical testing. Allele origin: unknown. Not counted in ClinVar's aggregate classification.
Comment: The frequency of this variant in the general population is higher than would generally be expected for pathogenic variants in this gene. Computational tools predict this amino acid change may be benign.

ARUP Laboratories, Molecular Genetics and Genomics, ARUP Laboratories
Classification: Benign. Last evaluated: 2024-11-06. Review status: criteria provided, single submitter. Criteria: ARUP Molecular Germline Variant Investigation Process 2024. Collection method: clinical testing. Allele origin: germline. Not counted in ClinVar's aggregate classification.

CeGaT Center for Human Genetics Tuebingen
Classification: Benign. Last evaluated: 2024-04-01. Review status: criteria provided, single submitter. Criteria: CeGaT Center For Human Genetics Tuebingen Variant Classification Criteria Version 2. Collection method: clinical testing. Allele origin: germline. Affected: yes. Observed: 75 variant alleles. Not counted in ClinVar's aggregate classification.
Comment: RYR1: BS1, BS2

All of Us Research Program, National Institutes of Health
Classification: Benign for Malignant hyperthermia, susceptibility to, 1. Last evaluated: 2024-02-05. Review status: criteria provided, single submitter. Criteria: ACMG Guidelines, 2015. Collection method: clinical testing. Allele origin: germline. Inheritance: Autosomal dominant inheritance. Observed: 4,487 variant alleles, 4,427 heterozygotes, 60 homozygotes. Not counted in ClinVar's aggregate classification.
Comment: This study involves interpretation of variants in research participants for the purpose of population health screening. Participant phenotype was not available at the time of variant classification. Additional details can be found in publication PMID: 35346344, PMCID: PMC8962531

PreventionGenetics, part of Exact Sciences
Classification: Benign. Last evaluated: 2018-03-21. Review status: criteria provided, single submitter. Criteria: ACMG Guidelines, 2015. Collection method: clinical testing. Allele origin: germline. Not counted in ClinVar's aggregate classification.

Mayo Clinic Laboratories, Mayo Clinic
Classification: Benign. Last evaluated: 2018-03-08. Review status: criteria provided, single submitter. Criteria: ACMG Guidelines, 2015. Collection method: clinical testing. Allele origin: germline. Observed: 35 variant alleles. Not counted in ClinVar's aggregate classification.

Color Diagnostics, LLC DBA Color Health
Classification: Benign for Malignant hyperthermia, susceptibility to, 1. Last evaluated: 2018-03-05. Review status: criteria provided, single submitter. Criteria: ACMG Guidelines, 2015. Collection method: clinical testing. Allele origin: germline. Not counted in ClinVar's aggregate classification.

Illumina Laboratory Services, Illumina
Classification: Benign for Congenital multicore myopathy with external ophthalmoplegia. Last evaluated: 2018-01-13. Review status: criteria provided, single submitter. Criteria: ICSL Variant Classification Criteria 13 December 2019. Collection method: clinical testing. Allele origin: germline. Not counted in ClinVar's aggregate classification.
Comment: This variant was observed in the ICSL laboratory as part of a predisposition screen in an ostensibly healthy population. It had not been previously curated by ICSL or reported in the Human Gene Mutation Database (HGMD: prior to June 1st, 2018), and was therefore a candidate for classification through an automated scoring system. Utilizing variant allele frequency, disease prevalence and penetrance estimates, and inheritance mode, an automated score was calculated to assess if this variant is too frequent to cause the disease. Based on the score and internal cut-off values, a variant classified as benign is not then subjected to further curation. The score for this variant resulted in a classification of benign for this disease.

Illumina Laboratory Services, Illumina
Classification: Benign for Malignant hyperthermia, susceptibility to, 1. Last evaluated: 2018-01-13. Review status: criteria provided, single submitter. Criteria: ICSL Variant Classification Criteria 13 December 2019. Collection method: clinical testing. Allele origin: germline. Not counted in ClinVar's aggregate classification.
Comment: the same text as in the submission from Illumina Laboratory Services, Illumina above.

Illumina Laboratory Services, Illumina
Classification: Benign for Central core myopathy. Last evaluated: 2018-01-13. Review status: criteria provided, single submitter. Criteria: ICSL Variant Classification Criteria 13 December 2019. Collection method: clinical testing. Allele origin: germline. Not counted in ClinVar's aggregate classification.
Comment: the same text as in the submission from Illumina Laboratory Services, Illumina above.

GeneDx
Classification: Benign. Last evaluated: 2016-03-04. Review status: criteria provided, single submitter. Criteria: GeneDx Variant Classification (06012015). Collection method: clinical testing. Allele origin: germline. Affected: yes. Not counted in ClinVar's aggregate classification.
Comment: This variant is considered likely benign or benign based on one or more of the following criteria: it is a conservative change, it occurs at a poorly conserved position in the protein, it is predicted to be benign by multiple in silico algorithms, and/or has population frequency not consistent with disease.

Genomic Diagnostic Laboratory, Division of Genomic Diagnostics, Children's Hospital of Philadelphia
Classification: Benign for Malignant hypothermia. Last evaluated: 2015-03-25. Review status: criteria provided, single submitter. Criteria: DGD Variant Analysis Guidelines. Collection method: clinical testing. Allele origin: unknown. Not counted in ClinVar's aggregate classification.

Biesecker Lab/Clinical Genomics Section, National Institutes of Health
Classification: Benign for Malignant hyperthermia, susceptibility to, 1. Last evaluated: 2013-07-01. Review status: criteria provided, single submitter. Criteria: Gonsalves et al. 2013. Collection method: research. Allele origin: unknown. Observed: 43 variant alleles. Study: ClinSeq. Not counted in ClinVar's aggregate classification.
Comment: The study set was not selected for affection status in relation to any myopathy. Pathogenicity categories were based on literature curation. See Pubmed ID: 24195946 for details.

Genetic Services Laboratory, University of Chicago
Classification: Benign. Last evaluated: 2013-02-08. Review status: criteria provided, single submitter. Criteria: ACMG Guidelines, 2007. Collection method: clinical testing. Allele origin: germline. Inheritance: Autosomal unknown. Not counted in ClinVar's aggregate classification.

Breakthrough Genomics
Classification: Benign. Review status: criteria provided, single submitter. Criteria: ACMG Guidelines, 2015. Collection method: not provided. Allele origin: germline. Inheritance: Autosomal recessive inheritance. Affected: yes. Not counted in ClinVar's aggregate classification.

Clinical Genetics, Academic Medical Center
Classification: Likely benign. Review status: no assertion criteria provided. Collection method: clinical testing. Allele origin: germline. Affected: yes. Study: VKGL Data-share Consensus. Not counted in ClinVar's aggregate classification.

Genome Diagnostics Laboratory, University Medical Center Utrecht
Classification: Benign. Review status: no assertion criteria provided. Collection method: clinical testing. Allele origin: germline. Affected: yes. Study: VKGL Data-share Consensus. Not counted in ClinVar's aggregate classification.

Joint Genome Diagnostic Labs from Nijmegen and Maastricht, Radboudumc and MUMC+
Classification: Benign. Review status: no assertion criteria provided. Collection method: clinical testing. Allele origin: germline. Affected: yes. Study: VKGL Data-share Consensus. Not counted in ClinVar's aggregate classification.

Laboratory of Diagnostic Genome Analysis, Leiden University Medical Center (LUMC)
Classification: Likely benign. Review status: no assertion criteria provided. Collection method: clinical testing. Allele origin: germline. Affected: yes. Study: VKGL Data-share Consensus. Not counted in ClinVar's aggregate classification.

RYR1 database
No classification provided. Review status: no classification provided. Collection method: not provided. Allele origin: unknown. Not counted in ClinVar's aggregate classification.

Literature cited by the submitters: PubMed 16917943 (cited by Athena Diagnostics); PubMed 35428369 (cited by Athena Diagnostics); PubMed 37510298 (cited by Athena Diagnostics); PubMed 37937776 (cited by Athena Diagnostics); PubMed 30236257 (cited by Athena Diagnostics); PubMed 27147545 (cited by Athena Diagnostics); PubMed 19191333 (cited by Athena Diagnostics); PubMed 23628358 (cited by Athena Diagnostics); PubMed 21455645 (cited by Athena Diagnostics); PubMed 23183335 (cited by Athena Diagnostics); PubMed 21503806 (cited by Athena Diagnostics); PubMed 21674524 (cited by Athena Diagnostics).